The following is an entry in ClinVar:

ClinVar aggregate classification (germline): Pathogenic (1 of 4 stars; one submission).

Conditions:
Congenital disorder of glycosylation, type Iaa. Also called: Congenital disorder of glycosylation, type 1aa. Identifiers: MedGen C4310727, MONDO:0014904, OMIM 617082.

Submission:

Labcorp Genetics (formerly Invitae), Labcorp
Classification: Pathogenic for Congenital disorder of glycosylation, type Iaa. Last evaluated: 2023-09-05. Review status: criteria provided, single submitter. Criteria: Invitae Variant Classification Sherloc (09022015). Collection method: clinical testing. Allele origin: germline.
Comment: For these reasons, this variant has been classified as Pathogenic. This variant has not been reported in the literature in individuals affected with NUS1-related conditions. This variant is not present in population databases (gnomAD no frequency). This sequence change creates a premature translational stop signal (p.Val127Trpfs*22) in the NUS1 gene. It is expected to result in an absent or disrupted protein product. Loss-of-function variants in NUS1 are known to be pathogenic (PMID: 29100083).

Literature cited by the submitters: PubMed 29100083.

NM_138459.5(NUS1):c.378del (p.Val127fs)

Gene: NUS1 (NUS1 dehydrodolichyl diphosphate synthase subunit; plus strand). Cytogenetic location: 6q22.1.
Variant type: Deletion.
Coding change: c.378del on transcript NM_138459.5 (MANE Select); coding-DNA position 378, one base deleted (C; older notation c.378delC).
Protein change: p.Val127fs; shifts the reading frame from valine 127.
Molecular consequence: frameshift variant.
Genome position (GRCh38, 1-based): chr6:117,676,048, C deleted; the last of 2 consecutive C bases (chr6:117,676,047-117,676,048); deleting either gives the same sequence. VCF-style (leftmost placement, unchanged base first): chr6-117676046-GC-G. GRCh37 (hg19) VCF-style: chr6-117997209-GC-G.
Other names: short protein forms V127fs.
Identifiers: ClinVar variation 2758134 (VCV002758134.3), dbSNP rs2481983883, ClinGen allele CA2697553659.
Genomic context (GRCh38, chr6:117,676,046, plus strand): 5'-ACCGAGGTGGAGCAGGAACCCAGCTTCTCGGACATCGCGAGCCTCGTGGTGTGGTGTATG[GC>G]CGTGGGCATCTCCTACATTAGCGTCTACGACCACCAAGGTGAGGCCCGGTGCGGTGGTGG-3'